The following is an entry in ClinVar:

ClinVar aggregate classification (germline): Uncertain significance. Review status: criteria provided, multiple submitters, no conflicts (2 of 4 stars). 2 submissions from 2 submitters: Uncertain significance (2). Last evaluated 2025-12-09.

Conditions:
Inborn genetic diseases. Identifiers: MedGen C0950123, MeSH D030342.

Allele frequency attached by ClinVar (database versions not stated): ExAC 0.00005; TOPMed 0.00006; 1000 Genomes Project 30x 0.00047; gnomAD 0.00003; gnomAD exomes 0.00006; 1000 Genomes Project 0.00040.
gnomAD v4.1: 97 of 1,551,710 alleles (0.0063%); highest among the groups gnomAD compares: Middle Eastern, 0.05%; no homozygotes.

Submissions (2):

Ambry Genetics
Classification: Uncertain significance for Inborn genetic diseases. Last evaluated: 2025-12-09. Review status: criteria provided, single submitter. Criteria: Ambry Variant Classification Scheme 2023. Collection method: clinical testing. Allele origin: germline.

Labcorp Genetics (formerly Invitae), Labcorp
Classification: Uncertain significance. Last evaluated: 2022-05-15. Review status: criteria provided, single submitter. Criteria: Invitae Variant Classification Sherloc (09022015). Collection method: clinical testing. Allele origin: germline.
Comment: This sequence change replaces valine, which is neutral and non-polar, with isoleucine, which is neutral and non-polar, at codon 1523 of the LOXHD1 protein (p.Val1523Ile). This variant is present in population databases (rs547086707, gnomAD 0.01%). This variant has not been reported in the literature in individuals affected with LOXHD1-related conditions. Algorithms developed to predict the effect of missense changes on protein structure and function (SIFT, PolyPhen-2, Align-GVGD) all suggest that this variant is likely to be tolerated. In summary, the available evidence is currently insufficient to determine the role of this variant in disease. Therefore, it has been classified as a Variant of Uncertain Significance.

NM_001384474.1(LOXHD1):c.4567G>A (p.Val1523Ile)

Gene: LOXHD1 (lipoxygenase homology PLAT domains 1; minus strand). Cytogenetic location: 18q21.1.
Variant type: single nucleotide variant.
Coding change: c.4567G>A on transcript NM_001384474.1 (MANE Select); coding-DNA position 4567, G replaced by A.
Protein change: p.Val1523Ile; replaces valine 1523 with isoleucine.
Molecular consequence: missense variant.
Genome position (GRCh38, 1-based): chr18:46,524,881, C>T on the plus strand (G>A on the coding strand, the complement: LOXHD1 is on the minus strand). VCF-style: chr18-46524881-C-T. GRCh37 (hg19) VCF-style: chr18-44104844-C-T.
Other names: c.1234G>A, p.Val412Ile (NM_001145472.3); c.946G>A, p.Val316Ile (NM_001308013.2); c.4567G>A, p.Val1523Ile (NM_144612.7); c.4567G>A (NM_144612.6); short protein forms V316I, V1523I, V412I.
Identifiers: ClinVar variation 2159826 (VCV002159826.4), dbSNP rs547086707, ClinGen allele CA8952324.